The following is an entry in ClinVar:

NM_012079.6(DGAT1):c.539C>A (p.Ala180Glu)

Gene: DGAT1 (diacylglycerol O-acyltransferase 1; minus strand). Cytogenetic location: 8q24.3.
Variant type: single nucleotide variant.
Coding change: c.539C>A on transcript NM_012079.6 (MANE Select); coding-DNA position 539, C replaced by A.
Protein change: p.Ala180Glu; replaces alanine 180 with glutamic acid.
Molecular consequence: missense variant.
Genome position (GRCh38, 1-based): chr8:144,318,496, G>T on the plus strand (C>A on the coding strand, the complement: DGAT1 is on the minus strand). VCF-style: chr8-144318496-G-T. GRCh37 (hg19) VCF-style: chr8-145542159-G-T.
Other names: short protein forms A180E.
Identifiers: ClinVar variation 4693599 (VCV004693599.1).

ClinVar aggregate classification (germline): Uncertain significance (1 of 4 stars; one submission).

Submission:

Labcorp Genetics (formerly Invitae), Labcorp
Classification: Uncertain significance. Last evaluated: 2026-01-15. Review status: criteria provided, single submitter. Criteria: Invitae Variant Classification Sherloc (09022015). Collection method: clinical testing. Allele origin: germline.
Comment: This sequence change replaces alanine, which is neutral and non-polar, with glutamic acid, which is acidic and polar, at codon 180 of the DGAT1 protein (p.Ala180Glu). This variant is present in population databases (no rsID available, gnomAD 0.0008%). This variant has not been reported in the literature in individuals affected with DGAT1-related conditions. Invitae Evidence Modeling of protein sequence and biophysical properties (such as structural, functional, and spatial information, amino acid conservation, physicochemical variation, residue mobility, and thermodynamic stability) indicates that this missense variant is expected to disrupt DGAT1 protein function with a positive predictive value of 80%. In summary, the available evidence is currently insufficient to determine the role of this variant in disease. Therefore, it has been classified as a Variant of Uncertain Significance.